The following is an entry in ClinVar:

NM_001039660.2(IL18BP):c.121A>G (p.Thr41Ala)

Gene: IL18BP (interleukin 18 binding protein; plus strand). Cytogenetic location: 11q13.4.
Variant type: single nucleotide variant.
Coding change: c.121A>G on transcript NM_001039660.2 (MANE Select); coding-DNA position 121, A replaced by G.
Protein change: p.Thr41Ala; replaces threonine 41 with alanine.
Molecular consequence: missense variant.
Genome position (GRCh38, 1-based): chr11:72,000,443, A>G. VCF-style: chr11-72000443-A-G. GRCh37 (hg19) VCF-style: chr11-71711489-A-G.
Other names: c.121A>G, p.Thr41Ala (NM_001039659.2, NM_001145055.1, NM_001145057.1 and 3 more transcripts); short protein forms T41A.
Identifiers: ClinVar variation 2270813 (VCV002270813.4), dbSNP rs762260762, ClinGen allele CA6166118.

ClinVar aggregate classification (germline): Uncertain significance. Review status: criteria provided, multiple submitters, no conflicts (2 of 4 stars). 2 submissions from 2 submitters: Uncertain significance (2). Last evaluated 2025-06-09.

Allele frequency attached by ClinVar (database versions not stated): ExAC 0.00002; TOPMed 0.00006; gnomAD 0.00010; gnomAD exomes 0.00001.
gnomAD v4.1: 26 of 1,614,084 alleles (0.0016%); highest among the groups gnomAD compares: African/African-American, 0.033%; no homozygotes.

Submissions (2):

Labcorp Genetics (formerly Invitae), Labcorp
Classification: Uncertain significance. Last evaluated: 2025-06-09. Review status: criteria provided, single submitter. Criteria: Invitae Variant Classification Sherloc (09022015). Collection method: clinical testing. Allele origin: germline.
Comment: This sequence change replaces threonine, which is neutral and polar, with alanine, which is neutral and non-polar, at codon 41 of the IL18BP protein (p.Thr41Ala). This variant is present in population databases (rs762260762, gnomAD 0.04%). This variant has not been reported in the literature in individuals affected with IL18BP-related conditions. ClinVar contains an entry for this variant (Variation ID: 2270813). An algorithm developed to predict the effect of missense changes on protein structure and function outputs the following: PolyPhen-2: "Benign". The alanine amino acid residue is found in multiple mammalian species, which suggests that this missense change does not adversely affect protein function. In summary, the available evidence is currently insufficient to determine the role of this variant in disease. Therefore, it has been classified as a Variant of Uncertain Significance.

Ambry Genetics
Classification: Uncertain significance. Last evaluated: 2022-01-07. Review status: criteria provided, single submitter. Criteria: Ambry Variant Classification Scheme 2023. Collection method: clinical testing. Allele origin: germline.